The following is an entry in ClinVar:

NM_001013838.3(CARMIL2):c.2141C>T (p.Thr714Ile)

Gene: CARMIL2 (capping protein regulator and myosin 1 linker 2; plus strand). Cytogenetic location: 16q22.1.
Variant type: single nucleotide variant.
Coding change: c.2141C>T on transcript NM_001013838.3 (MANE Select); coding-DNA position 2141, C replaced by T.
Protein change: p.Thr714Ile; replaces threonine 714 with isoleucine.
Molecular consequence: missense variant.
Genome position (GRCh38, 1-based): chr16:67,650,107, C>T. VCF-style: chr16-67650107-C-T. GRCh37 (hg19) VCF-style: chr16-67684010-C-T.
Other names: c.2033C>T, p.Thr678Ile (NM_001317026.3); short protein forms T678I, T714I.
Identifiers: ClinVar variation 1947786 (VCV001947786.5), dbSNP rs2543556664, ClinGen allele CA396340314.

ClinVar aggregate classification (germline): Uncertain significance (1 of 4 stars; one submission).

Allele frequency attached by ClinVar (database versions not stated): gnomAD exomes below 0.00001.
gnomAD v4.1: 1 of 1,613,616 alleles (0.000062%); highest among the groups gnomAD compares: Non-Finnish European, 0.000085%; no homozygotes.

Submission:

Labcorp Genetics (formerly Invitae), Labcorp
Classification: Uncertain significance. Last evaluated: 2022-05-13. Review status: criteria provided, single submitter. Criteria: Invitae Variant Classification Sherloc (09022015). Collection method: clinical testing. Allele origin: germline.
Comment: In summary, the available evidence is currently insufficient to determine the role of this variant in disease. Therefore, it has been classified as a Variant of Uncertain Significance. Algorithms developed to predict the effect of missense changes on protein structure and function (SIFT, PolyPhen-2, Align-GVGD) all suggest that this variant is likely to be tolerated. This variant has not been reported in the literature in individuals affected with CARMIL2-related conditions. This variant is not present in population databases (gnomAD no frequency). This sequence change replaces threonine, which is neutral and polar, with isoleucine, which is neutral and non-polar, at codon 714 of the CARMIL2 protein (p.Thr714Ile).